The following is an entry in ClinVar:

ClinVar aggregate classification (germline): Uncertain significance. Review status: criteria provided, multiple submitters, no conflicts (2 of 4 stars). 2 submissions from 2 submitters: Uncertain significance (2). Last evaluated 2026-08-16.

Conditions:
Fibromuscular dysplasia, multifocal. Identifiers: MedGen C5543412, MONDO:0859151, OMIM 619329.
Familial thoracic aortic aneurysm and aortic dissection (TAAD). Also called: Thoracic aortic aneurysms and dissections. Identifiers: Orphanet 91387, MedGen C4707243, MONDO:0019625.

Submissions (2):

Ambry Genetics
Classification: Uncertain significance for Familial thoracic aortic aneurysm and aortic dissection. Last evaluated: 2026-08-16. Review status: criteria provided, single submitter. Criteria: Ambry Variant Classification Scheme 2023. Collection method: clinical testing. Allele origin: germline.
Comment: The p.P516L variant (also known as c.1547C>T), located in coding exon 12 of the COL5A1 gene, results from a C to T substitution at nucleotide position 1547. The proline at codon 516 is replaced by leucine, an amino acid with similar properties. This amino acid position is conserved. In addition, this alteration is predicted to be deleterious by in silico analysis. Based on the available evidence, the clinical significance of this variant remains unclear.

OLLIN Analises Genomicas, OLLIN
Classification: Uncertain significance for Fibromuscular dysplasia, multifocal. Last evaluated: 2026-08-06. Review status: criteria provided, single submitter. Criteria: ACMG Guidelines 2015 PMID 25741868. Collection method: clinical testing. Allele origin: germline. Inheritance: Autosomal dominant inheritance.
Comment: This missense variant, located in exon 12 (of 66), is absent from gnomAD and ClinVar and has not been identified in the literature. In silico analysis predicts that this variant has a deleterious effect. According to the currently available evidence, this variant has been classified as uncertain significance (PM2_P, PP3).

NM_000093.5(COL5A1):c.1547C>T (p.Pro516Leu)

Gene: COL5A1 (collagen type V alpha 1 chain; plus strand). Cytogenetic location: 9q34.3.
Variant type: single nucleotide variant.
Coding change: c.1547C>T on transcript NM_000093.5 (MANE Select); coding-DNA position 1547, C replaced by T.
Protein change: p.Pro516Leu; replaces proline 516 with leucine.
Molecular consequence: missense variant.
Genome position (GRCh38, 1-based): chr9:134,750,594, C>T. VCF-style: chr9-134750594-C-T. GRCh37 (hg19) VCF-style: chr9-137642440-C-T.
Other names: c.1547C>T (NM_000093.3); c.1547C>T, p.Pro516Leu (NM_001278074.1); short protein forms P516L.
Identifiers: ClinVar variation 5002735 (VCV005002735.2).